The following is an entry in ClinVar:

ClinVar aggregate classification (germline): Conflicting classifications of pathogenicity. Review status: criteria provided, conflicting classifications (1 of 4 stars). 3 submissions from 3 submitters: Likely pathogenic (1); Uncertain significance (1). 1 of the submissions does not count toward it. Last evaluated 2025-03-25.

Conditions:
Spermatogenic failure 82 (SPGF82). Identifiers: MedGen C5830468, MONDO:0957249, OMIM 620353.

Allele frequency attached by ClinVar (database versions not stated): gnomAD exomes 0.00009; gnomAD 0.00017; TOPMed 0.00033; ExAC 0.00041; 1000 Genomes Project 30x 0.00062; 1000 Genomes Project 0.00080.
gnomAD v4.1: 161 of 1,613,518 alleles (0.01%); highest among the groups gnomAD compares: East Asian, 0.35%; 1 homozygote.

Submissions (3):

First Genomix Gene Laboratory, Genetic Diagnostics Department
Classification: Likely pathogenic for Spermatogenic failure 82. Last evaluated: 2025-03-25. Review status: criteria provided, single submitter. Criteria: ACMG Guidelines, 2015. Collection method: clinical testing. Allele origin: germline. Inheritance: Autosomal recessive inheritance. Affected: no. Observed: 1 variant allele.

Juno Genomics, Hangzhou Juno Genomics, Inc
Classification: Uncertain significance for Spermatogenic failure 82. Review status: criteria provided, single submitter. Criteria: ACMG Guidelines, 2015. Collection method: clinical testing. Allele origin: germline.
Comment: For recessive disorders, detected in trans with a pathogenic variant.;Patient's phenotype or family history is highly specific for a disease with a single genetic etiology.

OMIM
Classification: Pathogenic for SPERMATOGENIC FAILURE 82. Last evaluated: 2025-05-20. Review status: no assertion criteria provided. Collection method: literature only. Allele origin: germline. Not counted in ClinVar's aggregate classification.

Literature cited by the submitters: PubMed 35228300 (cited by OMIM).

NM_001278309.2(AKAP3):c.44G>A (p.Cys15Tyr)

Gene: AKAP3 (A-kinase anchoring protein 3; minus strand). Cytogenetic location: 12p13.32.
Variant type: single nucleotide variant.
Coding change: c.44G>A on transcript NM_001278309.2 (MANE Select); coding-DNA position 44, G replaced by A.
Protein change: p.Cys15Tyr; replaces cysteine 15 with tyrosine.
Molecular consequence: missense variant.
Genome position (GRCh38, 1-based): chr12:4,638,153, C>T on the plus strand (G>A on the coding strand, the complement: AKAP3 is on the minus strand). VCF-style: chr12-4638153-C-T. GRCh37 (hg19) VCF-style: chr12-4747319-C-T.
Other names: c.44G>A, p.Cys15Tyr (NM_006422.4); short protein forms C15Y.
Identifiers: ClinVar variation 2500166 (VCV002500166.6), dbSNP rs150896332, ClinGen allele CA6397925.